The following is an entry in ClinVar:

ClinVar aggregate classification (germline): Likely benign. Review status: criteria provided, multiple submitters, no conflicts (2 of 4 stars). 2 submissions from 2 submitters: Likely benign (2). Last evaluated 2024-12-06.

Conditions:
TRPM1-related disorder. Also called: TRPM1-related condition.

Allele frequency attached by ClinVar (database versions not stated): TOPMed below 0.00001; gnomAD exomes 0.00001; ExAC 0.00002.
gnomAD v4.1: 9 of 1,614,098 alleles (0.00056%); highest among the groups gnomAD compares: Non-Finnish European, 0.00076%; 1 homozygote.

Submissions (2):

PreventionGenetics, part of Exact Sciences
Classification: Likely benign for TRPM1-related condition. Last evaluated: 2024-12-06. Review status: criteria provided, single submitter. Criteria: ACMG Guidelines, 2015. Collection method: clinical testing. Allele origin: germline.
Comment: This variant is classified as likely benign based on ACMG/AMP sequence variant interpretation guidelines (Richards et al. 2015 PMID: 25741868, with internal and published modifications).

Labcorp Genetics (formerly Invitae), Labcorp
Classification: Likely benign. Last evaluated: 2022-10-18. Review status: criteria provided, single submitter. Criteria: Invitae Variant Classification Sherloc (09022015). Collection method: clinical testing. Allele origin: germline.

NM_001252024.2(TRPM1):c.4782T>C (p.His1594=)

Gene: TRPM1 (transient receptor potential cation channel subfamily M member 1; minus strand). Cytogenetic location: 15q13.3.
Variant type: single nucleotide variant.
Coding change: c.4782T>C on transcript NM_001252024.2 (MANE Select); coding-DNA position 4782, T replaced by C.
Protein change: p.His1594=; no amino-acid change (histidine 1594 retained).
Molecular consequence: synonymous variant.
Genome position (GRCh38, 1-based): chr15:31,001,918, A>G on the plus strand (T>C on the coding strand, the complement: TRPM1 is on the minus strand). VCF-style: chr15-31001918-A-G. GRCh37 (hg19) VCF-style: chr15-31294121-A-G.
Other names: c.4833T>C, p.His1611= (NM_001252020.2); c.4716T>C, p.His1572= (NM_002420.6); c.4833T>C (NM_001252020.1).
Identifiers: ClinVar variation 2164107 (VCV002164107.5), dbSNP rs780867337, ClinGen allele CA7451577.